The following is an entry in ClinVar:

ClinVar aggregate classification (germline): Pathogenic (1 of 4 stars; one submission).

Allele frequency attached by ClinVar (database versions not stated): gnomAD exomes below 0.00001.
gnomAD v4.1: 1 of 1,614,182 alleles (0.000062%); highest among the groups gnomAD compares: Non-Finnish European, 0.000085%; no homozygotes.

Submission:

GeneDx
Classification: Pathogenic. Last evaluated: 2026-08-27. Review status: criteria provided, single submitter. Criteria: GeneDx Variant Classification Process June 2021. Collection method: clinical testing. Allele origin: germline.
Comment: Not observed at significant frequency in large population cohorts (gnomAD); In silico analysis supports that this missense variant has a deleterious effect on protein structure/function; This variant is associated with the following publications: (PMID: 34095830, 31269553, 32686847)

NM_001371727.1(GABRB2):c.992T>C (p.Phe331Ser)

Gene: GABRB2 (gamma-aminobutyric acid type A receptor subunit beta2; minus strand). Cytogenetic location: 5q34.
Variant type: single nucleotide variant.
Coding change: c.992T>C on transcript NM_001371727.1 (MANE Select); coding-DNA position 992, T replaced by C.
Protein change: p.Phe331Ser; replaces phenylalanine 331 with serine.
Molecular consequence: missense variant.
Genome position (GRCh38, 1-based): chr5:161,330,968, A>G on the plus strand (T>C on the coding strand, the complement: GABRB2 is on the minus strand). VCF-style: chr5-161330968-A-G. GRCh37 (hg19) VCF-style: chr5-160757975-A-G.
Other names: c.992T>C, p.Phe331Ser (NM_000813.3, NM_021911.3); short protein forms F331S.
Identifiers: ClinVar variation 1197740 (VCV001197740.3), dbSNP rs2113397611, ClinGen allele CA362175166.